The following is an entry in ClinVar:

NM_001814.6(CTSC):c.1324C>T (p.Arg442Cys)

Gene: CTSC (cathepsin C; minus strand). Cytogenetic location: 11q14.2.
Variant type: single nucleotide variant.
Coding change: c.1324C>T on transcript NM_001814.6 (MANE Select); coding-DNA position 1324, C replaced by T.
Protein change: p.Arg442Cys; replaces arginine 442 with cysteine.
Molecular consequence: missense variant.
Genome position (GRCh38, 1-based): chr11:88,294,074, G>A on the plus strand (C>T on the coding strand, the complement: CTSC is on the minus strand). VCF-style: chr11-88294074-G-A. GRCh37 (hg19) VCF-style: chr11-88027242-G-A.
Other names: short protein forms R442C.
Identifiers: ClinVar variation 880809 (VCV000880809.9), dbSNP rs146182103, ClinGen allele CA6219726.
Genomic context (GRCh38, chr11:88,294,074, plus strand): 5'-TAGGAATTGGTGTGGCTGCCACTGCTATGCTCTCAATTGCACACTCATCAGTTCCTCTGC[G>A]GATCCGGAAGTAGCCATTCTCACCCCAGCCGGTGCCCCAGCTGTTTTTAACAATCCAGTA-3'
Protein context (NP_001805.4, residues 432-452): GWGENGYFRI[Arg442Cys]RGTDECAIES

ClinVar aggregate classification (germline): Uncertain significance. Review status: criteria provided, multiple submitters, no conflicts (2 of 4 stars). 3 submissions from 2 submitters: Uncertain significance (3). Last evaluated 2024-12-16.

Conditions:
Periodontitis, aggressive. Identifiers: MedGen C0031106, MONDO:0980757.
Haim-Munk syndrome (HMS). Also called: COCHIN JEWISH DISORDER; KERATOSIS PALMOPLANTARIS WITH PERIODONTOPATHIA AND ONYCHOGRYPOSIS. Identifiers: Orphanet 2342, MedGen C1855627, MONDO:0009491, OMIM 245010.
Papillon-Lefèvre syndrome (PALS). Also called: Papillon-Lefevre Disease; KERATOSIS PALMOPLANTARIS WITH PERIODONTOPATHIA. Identifiers: Orphanet 678, MedGen C0030360, MONDO:0009490, OMIM 245000.

Allele frequency attached by ClinVar (database versions not stated): TOPMed 0.00012; gnomAD 0.00014 and 0.00013; ExAC 0.00012; gnomAD exomes 0.00013 and 0.00039; ESP Exome Variant Server 0.00023.
gnomAD v4.1: 573 of 1,613,840 alleles (0.036%); highest among the groups gnomAD compares: Non-Finnish European, 0.046%; no homozygotes.

Submissions (3):

Labcorp Genetics (formerly Invitae), Labcorp
Classification: Uncertain significance for Haim-Munk syndrome; Periodontitis, aggressive; Papillon-Lefèvre syndrome. Last evaluated: 2024-12-16. Review status: criteria provided, single submitter. Criteria: Invitae Variant Classification Sherloc (09022015). Collection method: clinical testing. Allele origin: germline.
Comment: This sequence change replaces arginine, which is basic and polar, with cysteine, which is neutral and slightly polar, at codon 442 of the CTSC protein (p.Arg442Cys). This variant is present in population databases (rs146182103, gnomAD 0.02%). This variant has not been reported in the literature in individuals affected with CTSC-related conditions. ClinVar contains an entry for this variant (Variation ID: 880809). Invitae Evidence Modeling of protein sequence and biophysical properties (such as structural, functional, and spatial information, amino acid conservation, physicochemical variation, residue mobility, and thermodynamic stability) indicates that this missense variant is expected to disrupt CTSC protein function with a positive predictive value of 80%. In summary, the available evidence is currently insufficient to determine the role of this variant in disease. Therefore, it has been classified as a Variant of Uncertain Significance.

Illumina Laboratory Services, Illumina
Classification: Uncertain significance for Haim-Munk syndrome. Last evaluated: 2018-01-12. Review status: criteria provided, single submitter. Criteria: ICSL Variant Classification Criteria 13 December 2019. Collection method: clinical testing. Allele origin: germline.

Illumina Laboratory Services, Illumina
Classification: Uncertain significance for Papillon-Lefèvre syndrome. Last evaluated: 2018-01-12. Review status: criteria provided, single submitter. Criteria: ICSL Variant Classification Criteria 13 December 2019. Collection method: clinical testing. Allele origin: germline.